The following is an entry in ClinVar:

ClinVar aggregate classification (germline): Uncertain significance (1 of 4 stars; one submission).

Conditions:
Adams-Oliver syndrome 5 (AOS5). Identifiers: Orphanet 974, MedGen C4014970, MONDO:0014459, OMIM 616028.

gnomAD v4.1: 1 of 1,539,152 alleles (0.000065%); highest among the groups gnomAD compares: Non-Finnish European, 0.000087%; no homozygotes.

Submission:

Labcorp Genetics (formerly Invitae), Labcorp
Classification: Uncertain significance for Adams-Oliver syndrome 5. Last evaluated: 2025-05-24. Review status: criteria provided, single submitter. Criteria: Invitae Variant Classification Sherloc (09022015). Collection method: clinical testing. Allele origin: germline.
Comment: This sequence change replaces threonine, which is neutral and polar, with arginine, which is basic and polar, at codon 559 of the NOTCH1 protein (p.Thr559Arg). This variant is not present in population databases (gnomAD no frequency). This variant has not been reported in the literature in individuals affected with NOTCH1-related conditions. An algorithm developed to predict the effect of missense changes on protein structure and function (PolyPhen-2) suggests that this variant is likely to be disruptive. In summary, the available evidence is currently insufficient to determine the role of this variant in disease. Therefore, it has been classified as a Variant of Uncertain Significance.

NM_017617.5(NOTCH1):c.1676C>G (p.Thr559Arg)

Gene: NOTCH1 (notch receptor 1; minus strand). Cytogenetic location: 9q34.3.
Variant type: single nucleotide variant.
Coding change: c.1676C>G on transcript NM_017617.5 (MANE Select); coding-DNA position 1676, C replaced by G.
Protein change: p.Thr559Arg; replaces threonine 559 with arginine.
Molecular consequence: missense variant.
Genome position (GRCh38, 1-based): chr9:136,515,710, G>C on the plus strand (C>G on the coding strand, the complement: NOTCH1 is on the minus strand). VCF-style: chr9-136515710-G-C. GRCh37 (hg19) VCF-style: chr9-139410162-G-C.
Other names: short protein forms T559R.
Identifiers: ClinVar variation 4743973 (VCV004743973.1).